The following is an entry in ClinVar:

ClinVar aggregate classification (germline): Uncertain significance (1 of 4 stars; one submission).

Allele frequency attached by ClinVar (database versions not stated): gnomAD 0.00001.
gnomAD v4.1: 3 of 1,614,004 alleles (0.00019%); highest among the groups gnomAD compares: Admixed American, 0.0033%; no homozygotes.

Submission:

Labcorp Genetics (formerly Invitae), Labcorp
Classification: Uncertain significance. Last evaluated: 2024-07-03. Review status: criteria provided, single submitter. Criteria: Invitae Variant Classification Sherloc (09022015). Collection method: clinical testing. Allele origin: germline.
Comment: This sequence change replaces isoleucine, which is neutral and non-polar, with leucine, which is neutral and non-polar, at codon 256 of the KMT2A protein (p.Ile256Leu). This variant is not present in population databases (gnomAD no frequency). This variant has not been reported in the literature in individuals affected with KMT2A-related conditions. ClinVar contains an entry for this variant (Variation ID: 1721986). Advanced modeling of protein sequence and biophysical properties (such as structural, functional, and spatial information, amino acid conservation, physicochemical variation, residue mobility, and thermodynamic stability) performed at Invitae indicates that this missense variant is not expected to disrupt KMT2A protein function with a negative predictive value of 95%. In summary, the available evidence is currently insufficient to determine the role of this variant in disease. Therefore, it has been classified as a Variant of Uncertain Significance.

NM_001197104.2(KMT2A):c.766A>C (p.Ile256Leu)

Gene: KMT2A (lysine methyltransferase 2A; plus strand). Cytogenetic location: 11q23.3.
Variant type: single nucleotide variant.
Coding change: c.766A>C on transcript NM_001197104.2 (MANE Select); coding-DNA position 766, A replaced by C.
Protein change: p.Ile256Leu; replaces isoleucine 256 with leucine.
Molecular consequence: missense variant.
Genome position (GRCh38, 1-based): chr11:118,471,925, A>C. VCF-style: chr11-118471925-A-C. GRCh37 (hg19) VCF-style: chr11-118342640-A-C.
Other names: c.865A>C, p.Ile289Leu (NM_001412597.1); c.766A>C, p.Ile256Leu (NM_005933.4); short protein forms I256L, I289L.
Identifiers: ClinVar variation 1721986 (VCV001721986.5), dbSNP rs782754391, ClinGen allele CA382807787.